The following is an entry in ClinVar:

NM_000545.8(HNF1A):c.-62C>G

Gene: HNF1A (HNF1 homeobox A; plus strand). Cytogenetic location: 12q24.31.
Variant type: single nucleotide variant.
Coding change: c.-62C>G on transcript NM_000545.8 (MANE Select); 62 bases upstream of the start codon, C replaced by G.
Molecular consequence: 5 prime UTR variant.
Genome position (GRCh38, 1-based): chr12:120,978,707, C>G. VCF-style: chr12-120978707-C-G. GRCh37 (hg19) VCF-style: chr12-121416510-C-G.
Other names: c.-62C>G (NM_001406915.1, NM_001306179.2).
Identifiers: ClinVar variation 2137829 (VCV002137829.2), dbSNP rs753567412, ClinGen allele CA6831625.
Genomic context (GRCh38, chr12:120,978,707, plus strand): 5'-GGGGCAGTGGGTGCAAGGAGTTTGGTTTGTGTCTGCCGGCCGGCAGGCAAACGCAACCCA[C>G]GCGGTGGGGGAGGCGGCTAGCGTGGTGGACCCGGGCCGCGTGGCCCTGTGGCAGCCGAGC-3'

ClinVar aggregate classification (germline): Uncertain significance. Review status: criteria provided, multiple submitters, no conflicts (2 of 4 stars). 2 submissions from 2 submitters: Uncertain significance (2). Last evaluated 2024-03-04.

Conditions:
Type 2 diabetes mellitus. Also called: Type II diabetes mellitus. Identifiers: MedGen C0011860, MeSH D003924, MONDO:0005148, OMIM 125853, HP:0005978.
Hepatic adenomas, familial. Also called: LIVER CELL ADENOMAS, FAMILIAL; HEPATIC ADENOMA, SOMATIC. Identifiers: MedGen C1840646, MONDO:0007718, OMIM 142330.
Diabetes mellitus type 1 (T1D). Also called: Diabetes Mellitus, Juvenile-Onset; Type I diabetes mellitus. Identifiers: MedGen C0011854, MONDO:0005147, OMIM 222100, HP:0100651.
Type 1 diabetes mellitus 20 (T1D20). Also called: Diabetes mellitus, insulin-dependent, 20. Identifiers: MedGen C2675866, MONDO:0012919, OMIM 612520.
Nonpapillary renal cell carcinoma. Identifiers: Orphanet 422526, MedGen CN074294, MONDO:0007763, OMIM 144700.
Maturity-onset diabetes of the young type 3. Also called: MODY type 3; MODY, type III. Identifiers: Orphanet 552, MedGen C1838100, MeSH C563933, MONDO:0010894, OMIM 600496. Disease mechanism: loss of function.

Allele frequency attached by ClinVar (database versions not stated): TOPMed 0.00007; gnomAD 0.00008.
gnomAD v4.1: 181 of 1,515,550 alleles (0.012%); highest among the groups gnomAD compares: Non-Finnish European, 0.016%; 1 homozygote.

Submissions (2):

Fulgent Genetics
Classification: Uncertain significance for Type 2 diabetes mellitus; Hepatic adenomas, familial; Nonpapillary renal cell carcinoma; Diabetes mellitus type 1; Maturity-onset diabetes of the young type 3; Type 1 diabetes mellitus 20. Last evaluated: 2024-03-04. Review status: criteria provided, single submitter. Criteria: ACMG Guidelines, 2015. Collection method: clinical testing. Allele origin: germline.

Labcorp Genetics (formerly Invitae), Labcorp
Classification: Uncertain significance. Last evaluated: 2022-04-18. Review status: criteria provided, single submitter. Criteria: Invitae Variant Classification Sherloc (09022015). Collection method: clinical testing. Allele origin: germline.
Comment: This variant occurs in a non-coding region of the HNF1A gene. It does not change the encoded amino acid sequence of the HNF1A protein. This variant is present in population databases (rs753567412, gnomAD 0.008%). This variant has been observed in individual(s) with HNF1A-related conditions (PMID: 10649494). Experimental studies and prediction algorithms are not available or were not evaluated, and the functional significance of this variant is currently unknown. In summary, the available evidence is currently insufficient to determine the role of this variant in disease. Therefore, it has been classified as a Variant of Uncertain Significance.

Literature cited by the submitters: PubMed 10649494 (cited by Labcorp Genetics (formerly Invitae), Labcorp).